The following is an entry in ClinVar:

NM_001875.5(CPS1):c.195C>T (p.Ser65=)

Gene: CPS1 (carbamoyl-phosphate synthase 1; plus strand). Cytogenetic location: 2q34.
Variant type: single nucleotide variant.
Coding change: c.195C>T on transcript NM_001875.5 (MANE Select); coding-DNA position 195, C replaced by T.
Protein change: p.Ser65=; no amino-acid change (serine 65 retained).
Molecular consequence: synonymous variant. On other transcripts: non-coding transcript variant (1).
Genome position (GRCh38, 1-based): chr2:210,573,366, C>T. VCF-style: chr2-210573366-C-T. GRCh37 (hg19) VCF-style: chr2-211438090-C-T.
Other names: c.195C>T (LRG_336t1); c.195C>T, p.Ser65= (NM_001122633.3, NM_001369257.1); c.228C>T, p.Ser76= (NM_001369256.1).
Identifiers: ClinVar variation 334011 (VCV000334011.62), dbSNP rs192759073, ClinGen allele CA2085960.
Genomic context (GRCh38, chr2:210,573,366, plus strand): 5'-AGCACACATTGTCCTGGAAGATGGAACTAAGATGAAAGGTTACTCCTTTGGCCATCCATC[C>T]TCTGTTGCTGGTGAAGTGGTTTTTAATACTGGCCTGGGAGGGTGAGTAATGCTTTTCCAA-3'
Protein context (NP_001866.2, residues 55-75): KMKGYSFGHP[Ser65=]SVAGEVVFNT

ClinVar aggregate classification (germline): Benign/Likely benign. Review status: criteria provided, multiple submitters, no conflicts (2 of 4 stars). 7 submissions from 7 submitters: Benign (1); Likely benign (5). 1 of the submissions does not count toward it. Last evaluated 2026-02-04.

Conditions:
Congenital hyperammonemia, type I. Also called: Carbamoyl-phosphate synthase I deficiency; CPS I DEFICIENCY; Carbamoyl phosphate synthetase I deficiency disease; Carbamoyl phosphate synthetase 1 deficiency; Hyperammonemia due to carbamoyl phosphate synthetase 1 deficiency; CPS 1 deficiency. Identifiers: Orphanet 147, MedGen C4082171, MONDO:0009376, OMIM 237300.

Allele frequency attached by ClinVar (database versions not stated): TOPMed 0.00047; gnomAD 0.00054 and 0.00074; gnomAD exomes 0.00059 and 0.00127; ExAC 0.00130; 1000 Genomes Project 30x 0.00156; 1000 Genomes Project 0.00200.
gnomAD v4.1: 1,002 of 1,613,178 alleles (0.062%); highest among the groups gnomAD compares: East Asian, 0.78%; 4 homozygotes.

Submissions (7):

Labcorp Genetics (formerly Invitae), Labcorp
Classification: Benign for Congenital hyperammonemia, type I. Last evaluated: 2026-02-04. Review status: criteria provided, single submitter. Criteria: Invitae Variant Classification Sherloc (09022015). Collection method: clinical testing. Allele origin: germline.

Blueprint Genetics
Classification: Likely benign. Last evaluated: 2024-11-26. Review status: criteria provided, single submitter. Criteria: ACMG Guidelines, 2015. Collection method: clinical testing. Allele origin: germline.

CeGaT Center for Human Genetics Tuebingen
Classification: Likely benign. Last evaluated: 2024-05-01. Review status: criteria provided, single submitter. Criteria: CeGaT Center For Human Genetics Tuebingen Variant Classification Criteria Version 2. Collection method: clinical testing. Allele origin: germline. Affected: yes. Observed: 5 variant alleles.
Comment: CPS1: BP4, BP7

Illumina Laboratory Services, Illumina
Classification: Likely benign for Congenital hyperammonemia, type I. Last evaluated: 2018-01-13. Review status: criteria provided, single submitter. Criteria: ICSL Variant Classification Criteria 13 December 2019. Collection method: clinical testing. Allele origin: germline.
Comment: This variant was observed in the ICSL laboratory as part of a predisposition screen in an ostensibly healthy population. It had not been previously curated by ICSL or reported in the Human Gene Mutation Database (HGMD: prior to June 1st, 2018), and was therefore a candidate for classification through an automated scoring system. Utilizing variant allele frequency, disease prevalence and penetrance estimates, and inheritance mode, an automated score was calculated to assess if this variant is too frequent to cause the disease. Based on the score and internal cut-off values, a variant classified as likely benign is not then subjected to further curation. The score for this variant resulted in a classification of likely benign for this disease.

GeneDx
Classification: Likely benign. Last evaluated: 2017-12-21. Review status: criteria provided, single submitter. Criteria: GeneDx Variant Classification (06012015). Collection method: clinical testing. Allele origin: germline. Affected: yes.
Comment: This variant is considered likely benign or benign based on one or more of the following criteria: it is a conservative change, it occurs at a poorly conserved position in the protein, it is predicted to be benign by multiple in silico algorithms, and/or has population frequency not consistent with disease.

Breakthrough Genomics
Classification: Likely benign. Review status: criteria provided, single submitter. Criteria: ACMG Guidelines, 2015. Collection method: not provided. Allele origin: germline. Inheritance: Autosomal recessive inheritance. Affected: yes.

Natera, Inc.
Classification: Likely benign for Carbamoyl-phosphate synthase I deficiency. Last evaluated: 2019-10-24. Review status: no assertion criteria provided. Collection method: clinical testing. Allele origin: germline. Not counted in ClinVar's aggregate classification.